The following is an entry in ClinVar:

NM_006947.4(SRP72):c.34C>T (p.Pro12Ser)

Genes: SRP72 (signal recognition particle 72; plus strand), LOC129992625 (ATAC-STARR-seq lymphoblastoid active region 21580; plus strand). Cytogenetic location: 4q12.
Variant type: single nucleotide variant.
Coding change: c.34C>T on transcript NM_006947.4 (MANE Select); coding-DNA position 34, C replaced by T.
Protein change: p.Pro12Ser; replaces proline 12 with serine.
Molecular consequence: missense variant. On other transcripts: non-coding transcript variant (1).
Genome position (GRCh38, 1-based): chr4:56,467,669, C>T. VCF-style: chr4-56467669-C-T. GRCh37 (hg19) VCF-style: chr4-57333835-C-T.
Other names: c.34C>T, p.Pro12Ser (NM_001267722.2); short protein forms P12S.
Identifiers: ClinVar variation 4841462 (VCV004841462.1).
Genomic context (GRCh38, chr4:56,467,669, plus strand): 5'-CCCGCCCCGCCCCTCGTCTCCTCCAAGATGGCGAGCGGCGGCAGCGGGGGGGTGTCAGTA[C>T]CTGCGCTGTGGAGTGAAGTGAACCGGTATGGCCAGAACGGCGACTTCACGCGCGCTCTCA-3'
Protein context (NP_008878.3, residues 2-22): ASGGSGGVSV[Pro12Ser]ALWSEVNRYG

ClinVar aggregate classification (germline): Uncertain significance (1 of 4 stars; one submission).

gnomAD v4.1: 3 of 1,564,774 alleles (0.00019%); highest among the groups gnomAD compares: South Asian, 0.0023%; no homozygotes.

Submission:

Ambry Genetics
Classification: Uncertain significance. Last evaluated: 2026-01-14. Review status: criteria provided, single submitter. Criteria: Ambry Variant Classification Scheme 2023. Collection method: clinical testing. Allele origin: germline.
Comment: The p.P12S variant (also known as c.34C>T), located in coding exon 1 of the SRP72 gene, results from a C to T substitution at nucleotide position 34. The proline at codon 12 is replaced by serine, an amino acid with similar properties. This amino acid position is conserved. In addition, this alteration is predicted to be tolerated by in silico analysis. Based on the available evidence, the clinical significance of this variant remains unclear.